The following is an entry in ClinVar:

ClinVar aggregate classification (germline): Uncertain significance (1 of 4 stars; one submission).

Conditions:
Primary ciliary dyskinesia. Also called: Ciliary dyskinesia. Identifiers: Orphanet 244, MedGen C0008780, MONDO:0016575, HP:0012265.

Allele frequency attached by ClinVar (database versions not stated): gnomAD exomes below 0.00001; gnomAD 0.00001; TOPMed 0.00001.
gnomAD v4.1: 3 of 1,614,054 alleles (0.00019%); highest among the groups gnomAD compares: African/African-American, 0.004%; no homozygotes.

Submission:

Ambry Genetics
Classification: Uncertain significance for Primary ciliary dyskinesia. Last evaluated: 2015-08-26. Review status: criteria provided, single submitter. Criteria: Ambry Variant Classification Scheme 2023. Collection method: clinical testing. Allele origin: germline.
Comment: The p.R2290T variant (also known as c.6869G>C), located in coding exon 42 of the DNAH5 gene, results from a G to C substitution at nucleotide position 6869. The arginine at codon 2290 is replaced by threonine, an amino acid with similar properties. This variant was not reported in population based cohorts in the following databases: Database of Single Nucleotide Polymorphisms (dbSNP), NHLBI Exome Sequencing Project (ESP), and 1000 Genomes Project. In the ESP, this variant was not observed in 6503 samples (13006 alleles) with coverage at this position. This amino acid position is highly conserved in available vertebrate species. In addition, this alteration is predicted to be deleterious by in silico analysis. Since supporting evidence is limited at this time, the clinical significance of this variant remains unclear.

NM_001369.3(DNAH5):c.6869G>C (p.Arg2290Thr)

Gene: DNAH5 (dynein axonemal heavy chain 5; minus strand). Cytogenetic location: 5p15.2.
Variant type: single nucleotide variant.
Coding change: c.6869G>C on transcript NM_001369.3 (MANE Select); coding-DNA position 6869, G replaced by C.
Protein change: p.Arg2290Thr; replaces arginine 2290 with threonine.
Molecular consequence: missense variant.
Genome position (GRCh38, 1-based): chr5:13,817,667, C>G on the plus strand (G>C on the coding strand, the complement: DNAH5 is on the minus strand). VCF-style: chr5-13817667-C-G. GRCh37 (hg19) VCF-style: chr5-13817776-C-G.
Other names: short protein forms R2290T.
Identifiers: ClinVar variation 1755867 (VCV001755867.2), dbSNP rs1427447931, ClinGen allele CA359193646.